The following is an entry in ClinVar:

NM_025136.4(OPA3):c.*7085A>G

Genes: OPA3 (outer mitochondrial membrane lipid metabolism regulator OPA3; minus strand), OPA3-RTN2 (OPA3-RTN2 readthrough; minus strand). Cytogenetic location: 19q13.32.
Variant type: single nucleotide variant.
Coding change: c.*7085A>G on transcript NM_025136.4 (MANE Select); 7085 bases downstream of the stop codon, A replaced by G.
Molecular consequence: 3 prime UTR variant. On other transcripts: intron variant (1).
Genome position (GRCh38, 1-based): chr19:45,546,429, T>C on the plus strand (A>G on the coding strand, the complement: OPA3 is on the minus strand). VCF-style: chr19-45546429-T-C. GRCh37 (hg19) VCF-style: chr19-46049687-T-C.
Other names: c.143-16973A>G (NM_001017989.3).
Identifiers: ClinVar variation 329553 (VCV000329553.6), dbSNP rs67373144, ClinGen allele CA10652078.

ClinVar aggregate classification (germline): Benign/Likely benign. Review status: criteria provided, multiple submitters, no conflicts (2 of 4 stars). 3 submissions from 2 submitters: Benign (1); Likely benign (2). Last evaluated 2021-05-20.

Conditions:
Optic atrophy 3 (OPA3). Also called: OPTIC ATROPHY 3, AUTOSOMAL DOMINANT; Optic atrophy, cataract, and neurologic disorder; Optic atrophy 3 with cataract. Identifiers: Orphanet 67036, MedGen C1833809, MONDO:0008133, OMIM 165300.
3-Methylglutaconic aciduria type 3 (MGCA3). Also called: OPA3, AUTOSOMAL RECESSIVE; OPTIC ATROPHY 3, AUTOSOMAL RECESSIVE; Costeff Syndrome; OPA3-Related 3-Methylglutaconic Aciduria. Identifiers: Orphanet 67047, MedGen C0574084, MONDO:0009787, OMIM 258501.

Allele frequency attached by ClinVar (database versions not stated): 1000 Genomes Project 0.01238; 1000 Genomes Project 30x 0.01265; gnomAD 0.01608 and 0.01655; TOPMed 0.01627; gnomAD exomes 0.02013.
gnomAD v4.1: 10,807 of 560,906 alleles (1.9%); highest among the groups gnomAD compares: South Asian, 3.2%; 145 homozygotes.

Submissions (3):

GeneDx
Classification: Likely benign. Last evaluated: 2021-05-20. Review status: criteria provided, single submitter. Criteria: GeneDx Variant Classification Process June 2021. Collection method: clinical testing. Allele origin: germline. Affected: yes.

Illumina Laboratory Services, Illumina
Classification: Likely benign for 3-Methylglutaconic aciduria type 3. Last evaluated: 2018-01-13. Review status: criteria provided, single submitter. Criteria: ICSL Variant Classification Criteria 13 December 2019. Collection method: clinical testing. Allele origin: germline.
Comment: This variant was observed in the ICSL laboratory as part of a predisposition screen in an ostensibly healthy population. It had not been previously curated by ICSL or reported in the Human Gene Mutation Database (HGMD: prior to June 1st, 2018), and was therefore a candidate for classification through an automated scoring system. Utilizing variant allele frequency, disease prevalence and penetrance estimates, and inheritance mode, an automated score was calculated to assess if this variant is too frequent to cause the disease. Based on the score and internal cut-off values, a variant classified as likely benign is not then subjected to further curation. The score for this variant resulted in a classification of likely benign for this disease.

Illumina Laboratory Services, Illumina
Classification: Benign for Optic atrophy 3. Last evaluated: 2018-01-13. Review status: criteria provided, single submitter. Criteria: ICSL Variant Classification Criteria 13 December 2019. Collection method: clinical testing. Allele origin: germline.
Comment: This variant was observed in the ICSL laboratory as part of a predisposition screen in an ostensibly healthy population. It had not been previously curated by ICSL or reported in the Human Gene Mutation Database (HGMD: prior to June 1st, 2018), and was therefore a candidate for classification through an automated scoring system. Utilizing variant allele frequency, disease prevalence and penetrance estimates, and inheritance mode, an automated score was calculated to assess if this variant is too frequent to cause the disease. Based on the score and internal cut-off values, a variant classified as benign is not then subjected to further curation. The score for this variant resulted in a classification of benign for this disease.